The following is an entry in ClinVar:

NM_001379500.1(COL18A1):c.3313C>T (p.Arg1105Trp)

Genes: COL18A1 (collagen type XVIII alpha 1 chain; plus strand), SLC19A1 (solute carrier family 19 member 1; minus strand). Cytogenetic location: 21q22.3.
Variant type: single nucleotide variant.
Coding change: c.3313C>T on transcript NM_001379500.1 (MANE Select); coding-DNA position 3313, C replaced by T.
Protein change: p.Arg1105Trp; replaces arginine 1105 with tryptophan.
Molecular consequence: missense variant.
Genome position (GRCh38, 1-based): chr21:45,509,419, C>T. VCF-style: chr21-45509419-C-T. GRCh37 (hg19) VCF-style: chr21-46929333-C-T.
Other names: c.3844C>T, p.Arg1282Trp (NM_030582.4); c.4549C>T, p.Arg1517Trp (NM_130444.3); c.3844C>T (NM_030582.3); short protein forms R1105W, R1282W, R1517W.
Identifiers: ClinVar variation 2166929 (VCV002166929.3), dbSNP rs566518554, ClinGen allele CA321923396.

ClinVar aggregate classification (germline): Uncertain significance. Review status: criteria provided, multiple submitters, no conflicts (2 of 4 stars). 2 submissions from 2 submitters: Uncertain significance (2). Last evaluated 2024-12-19.

Conditions:
COL18A1-related disorder. Also called: COL18A1-related disorders; COL18A1-related condition.

Allele frequency attached by ClinVar (database versions not stated): TOPMed 0.00003; gnomAD 0.00005; 1000 Genomes Project 30x 0.00016; 1000 Genomes Project 0.00020.
gnomAD v4.1: 22 of 1,538,544 alleles (0.0014%); highest among the groups gnomAD compares: African/African-American, 0.0096%; 1 homozygote.

Submissions (2):

PreventionGenetics, part of Exact Sciences
Classification: Uncertain significance for COL18A1-related condition. Last evaluated: 2024-12-19. Review status: criteria provided, single submitter. Criteria: ACMG Guidelines, 2015. Collection method: clinical testing. Allele origin: germline.
Comment: The COL18A1 c.3844C>T variant is predicted to result in the amino acid substitution p.Arg1282Trp. To our knowledge, this variant has not been reported in the literature. This variant is reported in 0.013% of alleles in individuals of African descent in gnomAD. At this time, the clinical significance of this variant is uncertain due to the absence of conclusive functional and genetic evidence.

Labcorp Genetics (formerly Invitae), Labcorp
Classification: Uncertain significance. Last evaluated: 2023-12-11. Review status: criteria provided, single submitter. Criteria: Invitae Variant Classification Sherloc (09022015). Collection method: clinical testing. Allele origin: germline.
Comment: This sequence change replaces arginine, which is basic and polar, with tryptophan, which is neutral and slightly polar, at codon 1102 of the COL18A1 protein (p.Arg1102Trp). The frequency data for this variant in the population databases is considered unreliable, as metrics indicate poor data quality at this position in the gnomAD database. This variant has not been reported in the literature in individuals affected with COL18A1-related conditions. ClinVar contains an entry for this variant (Variation ID: 2166929). Experimental studies and prediction algorithms are not available or were not evaluated, and the functional significance of this variant is currently unknown. In summary, the available evidence is currently insufficient to determine the role of this variant in disease. Therefore, it has been classified as a Variant of Uncertain Significance.